The following is an entry in ClinVar:

ClinVar aggregate classification (germline): Pathogenic/Likely pathogenic. Review status: criteria provided, multiple submitters, no conflicts (2 of 4 stars). 4 submissions from 4 submitters: Pathogenic (3); Likely pathogenic (1). Last evaluated 2025-07-16.

Conditions:
SPTA1-related disorder. Also called: SPTA1-related disorders; SPTA1-related condition.

Submissions (4):

PreventionGenetics, part of Exact Sciences
Classification: Pathogenic for SPTA1-related condition. Last evaluated: 2025-07-16. Review status: criteria provided, single submitter. Criteria: ACMG Guidelines, 2015. Collection method: clinical testing. Allele origin: germline.
Comment: The SPTA1 c.6154delG variant is predicted to result in a frameshift and premature protein termination (p.Ala2052Leufs*4). This variant has been reported in the homozygous state in at least two individuals with autosomal recessive SPTA1-related disorders (Hannah et al. 2017. PubMed ID: 29594000; Chonat et al. 2019. PubMed ID: 31333484; Brancamp et al. 2024. PubMed ID: 38031483). This variant has not been reported in a large population database (gnomAD), indicating this variant is rare. Frameshift variants in SPTA1 are expected to be pathogenic. This variant is interpreted as pathogenic.

Revvity Omics, Revvity
Classification: Pathogenic. Last evaluated: 2025-01-14. Review status: criteria provided, single submitter. Criteria: ACMG Guidelines, 2015. Collection method: clinical testing. Allele origin: germline.

GeneDx
Classification: Pathogenic. Last evaluated: 2024-07-02. Review status: criteria provided, single submitter. Criteria: GeneDx Variant Classification Process June 2021. Collection method: clinical testing. Allele origin: germline. Affected: yes.
Comment: Frameshift variant predicted to result in protein truncation or nonsense mediated decay in a gene for which loss-of-function is a known mechanism of disease; Not observed at significant frequency in large population cohorts (gnomAD); This variant is associated with the following publications: (PMID: 29594000, 31333484)

Mayo Clinic Laboratories, Mayo Clinic
Classification: Likely pathogenic. Last evaluated: 2022-05-06. Review status: criteria provided, single submitter. Criteria: ACMG Guidelines, 2015. Collection method: clinical testing. Allele origin: germline. Observed: 1 variant allele.
Comment: PM2, PVS1

Literature cited by the submitters: PubMed 29594000 (cited by Mayo Clinic Laboratories, Mayo Clinic); PubMed 31333484 (cited by Mayo Clinic Laboratories, Mayo Clinic).

NM_003126.4(SPTA1):c.6154del (p.Ala2052fs)

Gene: SPTA1 (spectrin alpha, erythrocytic 1; minus strand). Cytogenetic location: 1q23.1.
Variant type: Deletion.
Coding change: c.6154del on transcript NM_003126.4 (MANE Select); coding-DNA position 6154, one base deleted (G; older notation c.6154delG).
Protein change: p.Ala2052fs; shifts the reading frame from alanine 2052.
Molecular consequence: frameshift variant.
Genome position (GRCh38, 1-based): chr1:158,620,433, C deleted on the plus strand (G on the coding strand, the reverse complement: SPTA1 is on the minus strand); the first of 2 consecutive C bases (chr1:158,620,433-158,620,434); deleting either gives the same sequence. VCF-style (leftmost placement, unchanged base first): chr1-158620432-GC-G. GRCh37 (hg19) VCF-style: chr1-158590222-GC-G.
Other names: c.6154delG (NM_003126.2); short protein forms A2052fs.
Identifiers: ClinVar variation 1723630 (VCV001723630.8), dbSNP rs1485424248, ClinGen allele CA889970573.